The following is an entry in ClinVar:

NM_001363540.2(DOCK4):c.1083A>G (p.Leu361=)

Gene: DOCK4 (dedicator of cytokinesis 4; minus strand). Cytogenetic location: 7q31.1.
Variant type: single nucleotide variant.
Coding change: c.1083A>G on transcript NM_001363540.2 (MANE Select); coding-DNA position 1083, A replaced by G.
Protein change: p.Leu361=; no amino-acid change (leucine 361 retained).
Molecular consequence: synonymous variant.
Genome position (GRCh38, 1-based): chr7:111,915,888, T>C on the plus strand (A>G on the coding strand, the complement: DOCK4 is on the minus strand). VCF-style: chr7-111915888-T-C. GRCh37 (hg19) VCF-style: chr7-111555943-T-C.
Other names: c.1083A>G, p.Leu361= (NM_014705.4).
Identifiers: ClinVar variation 731037 (VCV000731037.5), dbSNP rs201411939, ClinGen allele CA4442510.

ClinVar aggregate classification (germline): Benign/Likely benign. Review status: criteria provided, multiple submitters, no conflicts (2 of 4 stars). 3 submissions from 3 submitters: Benign (2); Likely benign (1). Last evaluated 2026-07-01.

Allele frequency attached by ClinVar (database versions not stated): 1000 Genomes Project 30x 0.00031; 1000 Genomes Project 0.00040; gnomAD 0.00106 and 0.00111; ESP Exome Variant Server 0.00110; TOPMed 0.00117; gnomAD exomes 0.00127 and 0.00191; ExAC 0.00180.
gnomAD v4.1: 2,924 of 1,611,748 alleles (0.18%); highest among the groups gnomAD compares: Non-Finnish European, 0.23%; 5 homozygotes.

Submissions (3):

CeGaT Center for Human Genetics Tuebingen
Classification: Likely benign. Last evaluated: 2026-07-01. Review status: criteria provided, single submitter. Criteria: CeGaT Center For Human Genetics Tuebingen Variant Classification Criteria Version 2. Collection method: clinical testing. Allele origin: germline. Affected: yes. Observed: 1 variant allele.
Comment: DOCK4: BP4, BP7

Labcorp Genetics (formerly Invitae), Labcorp
Classification: Benign. Last evaluated: 2018-03-30. Review status: criteria provided, single submitter. Criteria: Invitae Variant Classification Sherloc (09022015). Collection method: clinical testing. Allele origin: germline.

Breakthrough Genomics
Classification: Benign. Review status: criteria provided, single submitter. Criteria: ACMG Guidelines, 2015. Collection method: not provided. Allele origin: germline. Inheritance: Unknown mechanism. Affected: yes.